The following is an entry in ClinVar:

ClinVar aggregate classification (germline): Conflicting classifications of pathogenicity. Review status: criteria provided, conflicting classifications (1 of 4 stars). 5 submissions from 4 submitters: Uncertain significance (1); Benign (2); Likely benign (2). Last evaluated 2026-01-17.

Conditions:
Hereditary cancer-predisposing syndrome. Also called: Neoplastic Syndromes, Hereditary; Hereditary neoplastic syndrome; Tumor predisposition; Hereditary Cancer Syndrome. Identifiers: Orphanet 140162, MedGen C0027672, MeSH D009386, MONDO:0015356.
Birt-Hogg-Dube syndrome 1 (BHD1). Also called: FIBROFOLLICULOMAS WITH TRICHODISCOMAS AND ACROCHORDONS. Identifiers: Orphanet 122, MedGen CN375946, MONDO:0800445, OMIM 135150.
Familial spontaneous pneumothorax (PSP). Identifiers: Orphanet 2903, MedGen C1868193, MONDO:0008259, OMIM 173600.
Birt-Hogg-Dube syndrome. Also called: Birt Hogg Dubé syndrome. Identifiers: Orphanet 122, MedGen C0346010, MONDO:0800444.

Allele frequency attached by ClinVar (database versions not stated): TOPMed 0.00003; gnomAD 0.00004; ExAC 0.00007.

Submissions (5):

Labcorp Genetics (formerly Invitae), Labcorp
Classification: Likely benign for Birt-Hogg-Dube syndrome. Last evaluated: 2026-01-17. Review status: criteria provided, single submitter. Criteria: Invitae Variant Classification Sherloc (09022015). Collection method: clinical testing. Allele origin: germline.

Myriad Genetics, Inc.
Classification: Likely benign for Birt-Hogg-Dube syndrome 1. Last evaluated: 2024-08-08. Review status: criteria provided, single submitter. Criteria: Myriad Autosomal Dominant, Autosomal Recessive and X-Linked Classification Criteria (2023). Collection method: clinical testing. Allele origin: unknown.
Comment: This variant is considered likely benign. This variant has been observed at a population frequency that is significantly greater than expected given the associated disease prevalence and penetrance.

Ambry Genetics
Classification: Benign for Hereditary cancer-predisposing syndrome. Last evaluated: 2022-12-19. Review status: criteria provided, single submitter. Criteria: Ambry Variant Classification Scheme 2023. Collection method: clinical testing. Allele origin: germline.

Illumina Laboratory Services, Illumina
Classification: Uncertain significance for Familial spontaneous pneumothorax. Last evaluated: 2018-01-13. Review status: criteria provided, single submitter. Criteria: ICSL Variant Classification Criteria 13 December 2019. Collection method: clinical testing. Allele origin: germline.

Illumina Laboratory Services, Illumina
Classification: Benign for Birt-Hogg-Dube syndrome 1. Last evaluated: 2018-01-13. Review status: criteria provided, single submitter. Criteria: ICSL Variant Classification Criteria 13 December 2019. Collection method: clinical testing. Allele origin: germline.
Comment: This variant was observed in the ICSL laboratory as part of a predisposition screen in an ostensibly healthy population. It had not been previously curated by ICSL or reported in the Human Gene Mutation Database (HGMD: prior to June 1st, 2018), and was therefore a candidate for classification through an automated scoring system. Utilizing variant allele frequency, disease prevalence and penetrance estimates, and inheritance mode, an automated score was calculated to assess if this variant is too frequent to cause the disease. Based on the score and internal cut-off values, a variant classified as benign is not then subjected to further curation. The score for this variant resulted in a classification of benign for this disease.

NM_144997.7(FLCN):c.1428C>G (p.Asp476Glu)

Gene: FLCN (folliculin; minus strand). Cytogenetic location: 17p11.2.
Variant type: single nucleotide variant.
Coding change: c.1428C>G on transcript NM_144997.7 (MANE Select); coding-DNA position 1428, C replaced by G.
Protein change: p.Asp476Glu; replaces aspartic acid 476 with glutamic acid.
Molecular consequence: missense variant.
Genome position (GRCh38, 1-based): chr17:17,215,189, G>C on the plus strand (C>G on the coding strand, the complement: FLCN is on the minus strand). VCF-style: chr17-17215189-G-C. GRCh37 (hg19) VCF-style: chr17-17118503-G-C.
Other names: c.1482C>G, p.Asp494Glu (NM_001353229.2); c.1428C>G, p.Asp476Glu (NM_001353230.2, NM_001353231.2); c.1428C>G (LRG_325t1); short protein forms D476E, D494E.
Identifiers: ClinVar variation 322062 (VCV000322062.20), dbSNP rs756944795, ClinGen allele CA8416006.